The following is an entry in ClinVar:

ClinVar aggregate classification (germline): Uncertain significance (0 of 4 stars; one submission).

Conditions:
Fanconi anemia complementation group A (FANCA). Also called: Fanconi anemia, group A; FANCA-Related Fanconi Anemia. Identifiers: Orphanet 84, MedGen C3469521, MONDO:0009215, OMIM 227650.

Submission:

Leiden Open Variation Database
Classification: Uncertain significance for Fanconi anemia complementation group A. Last evaluated: 2020-02-28. Review status: no assertion criteria provided. Collection method: curation. Allele origin: germline. Affected: yes.
Comment: Curator: Arleen D. Auerbach. Submitter to LOVD: Arleen D. Auerbach.

Literature cited by the submitters: PubMed 23613520.

NC_000016.9:g.89645037_89810099del

Genes: ZNF276 (zinc finger protein 276; plus strand), CPNE7 (copine 7; plus strand), CDK10 (cyclin dependent kinase 10; plus strand), VPS9D1 (VPS9 domain containing 1; minus strand), CHMP1A (charged multivesicular body protein 1A; minus strand) and 4 more. Cytogenetic location: 16q24.3.
Variant type: Deletion.
Identifiers: ClinVar variation 974363 (VCV000974363.1).